The following is an entry in ClinVar:

NM_004656.4(BAP1):c.255G>C (p.Gln85His)

Gene: BAP1 (BRCA1 associated deubiquitinase 1; minus strand). Cytogenetic location: 3p21.1.
Variant type: single nucleotide variant.
Coding change: c.255G>C on transcript NM_004656.4 (MANE Select); coding-DNA position 255, G replaced by C.
Protein change: p.Gln85His; replaces glutamine 85 with histidine.
Molecular consequence: missense variant.
Genome position (GRCh38, 1-based): chr3:52,408,474, C>G on the plus strand (G>C on the coding strand, the complement: BAP1 is on the minus strand). VCF-style: chr3-52408474-C-G. GRCh37 (hg19) VCF-style: chr3-52442490-C-G.
Other names: short protein forms Q85H.
Identifiers: ClinVar variation 945976 (VCV000945976.7), dbSNP rs1705234966, ClinGen allele CA353112839.

ClinVar aggregate classification (germline): Uncertain significance (1 of 4 stars; one submission).

Conditions:
BAP1-related tumor predisposition syndrome (TPDS1). Also called: COMMON Syndrome; Tumor susceptibility linked to germline BAP1 mutations; BAP1 tumor predisposition syndrome; TUMOR PREDISPOSITION SYNDROME 1. Identifiers: Orphanet 289539, MedGen C3280492, MONDO:0013692, OMIM 614327.

Submission:

Labcorp Genetics (formerly Invitae), Labcorp
Classification: Uncertain significance for BAP1-related tumor predisposition syndrome. Last evaluated: 2019-06-26. Review status: criteria provided, single submitter. Criteria: Invitae Variant Classification Sherloc (09022015). Collection method: clinical testing. Allele origin: germline.
Comment: In summary, the available evidence is currently insufficient to determine the role of this variant in disease. Therefore, it has been classified as a Variant of Uncertain Significance. Nucleotide substitutions within the consensus splice site are a relatively common cause of aberrant splicing (PMID: 17576681, 9536098). Algorithms developed to predict the effect of sequence changes on RNA splicing suggest that this variant may disrupt the consensus splice site, but this prediction has not been confirmed by published transcriptional studies. Algorithms developed to predict the effect of missense changes on protein structure and function are either unavailable or do not agree on the potential impact of this missense change (SIFT: "Deleterious"; PolyPhen-2: "Probably Damaging"; Align-GVGD: "Class C15"). This variant has not been reported in the literature in individuals with BAP1-related conditions. This variant is not present in population databases (ExAC no frequency). This sequence change replaces glutamine with histidine at codon 85 of the BAP1 protein (p.Gln85His). The glutamine residue is highly conserved and there is a small physicochemical difference between glutamine and histidine. This variant also falls at the last nucleotide of exon 4 of the BAP1 coding sequence, which is part of the consensus splice site for this exon.

Literature cited by the submitters: PubMed 17576681; PubMed 9536098.